The following is an entry in ClinVar:

ClinVar aggregate classification (germline): Uncertain significance (0 of 4 stars; one submission).

Conditions:
MC4R-related disorder. Also called: MC4R-related condition.

Submission:

PreventionGenetics, part of Exact Sciences
Classification: Uncertain significance for MC4R-related condition. Last evaluated: 2024-09-17. Review status: no assertion criteria provided. Collection method: clinical testing. Allele origin: germline.
Comment: The MC4R c.857T>C variant is predicted to result in the amino acid substitution p.Leu286Ser. To our knowledge, this variant has not been reported in the literature or in a large population database, indicating this variant is rare. At this time, the clinical significance of this variant is uncertain due to the absence of conclusive functional and genetic evidence.

NM_005912.3(MC4R):c.857T>C (p.Leu286Ser)

Gene: MC4R (melanocortin 4 receptor; minus strand). Cytogenetic location: 18q21.32.
Variant type: single nucleotide variant.
Coding change: c.857T>C on transcript NM_005912.3 (MANE Select); coding-DNA position 857, T replaced by C.
Protein change: p.Leu286Ser; replaces leucine 286 with serine.
Molecular consequence: missense variant.
Genome position (GRCh38, 1-based): chr18:60,371,493, A>G on the plus strand (T>C on the coding strand, the complement: MC4R is on the minus strand). VCF-style: chr18-60371493-A-G. GRCh37 (hg19) VCF-style: chr18-58038726-A-G.
Other names: short protein forms L286S.
Identifiers: ClinVar variation 3347838 (VCV003347838.1).